The following is an entry in ClinVar:

ClinVar aggregate classification (germline): Uncertain significance (1 of 4 stars; one submission).

Conditions:
PPP1R12A-related disorder. Also called: PPP1R12A-related condition.

Allele frequency attached by ClinVar (database versions not stated): ExAC 0.00008; gnomAD 0.00013; gnomAD exomes 0.00015; TOPMed 0.00016; ESP Exome Variant Server 0.00025; 1000 Genomes Project 30x 0.00031.
gnomAD v4.1: 249 of 1,613,576 alleles (0.015%); highest among the groups gnomAD compares: Non-Finnish European, 0.019%; no homozygotes.

Submission:

PreventionGenetics, part of Exact Sciences
Classification: Uncertain significance for PPP1R12A-related condition. Last evaluated: 2023-04-10. Review status: criteria provided, single submitter. Criteria: ACMG Guidelines, 2015. Collection method: clinical testing. Allele origin: germline.
Comment: The PPP1R12A c.1010T>C variant is predicted to result in the amino acid substitution p.Leu337Pro. To our knowledge, this variant has not been reported in the literature. This variant is reported in 0.023% of alleles in individuals of European (Non-Finnish) descent in gnomAD. Although we suspect that this variant may be benign, at this time, the clinical significance of this variant is uncertain due to the absence of conclusive functional and genetic evidence.

NM_002480.3(PPP1R12A):c.1010T>C (p.Leu337Pro)

Gene: PPP1R12A (protein phosphatase 1 regulatory subunit 12A; minus strand). Cytogenetic location: 12q21.2.
Variant type: single nucleotide variant.
Coding change: c.1010T>C on transcript NM_002480.3 (MANE Select); coding-DNA position 1010, T replaced by C.
Protein change: p.Leu337Pro; replaces leucine 337 with proline.
Molecular consequence: missense variant.
Genome position (GRCh38, 1-based): chr12:79,820,878, A>G on the plus strand (T>C on the coding strand, the complement: PPP1R12A is on the minus strand). VCF-style: chr12-79820878-A-G. GRCh37 (hg19) VCF-style: chr12-80214658-A-G.
Other names: c.1010T>C, p.Leu337Pro (NM_001143885.2, NM_001244990.2, NM_001244992.1); c.749T>C, p.Leu250Pro (NM_001143886.2); short protein forms L250P, L337P.
Identifiers: ClinVar variation 2636523 (VCV002636523.1), dbSNP rs377244837, ClinGen allele CA6699768.